The following is an entry in ClinVar:

ClinVar aggregate classification (germline): Uncertain significance (1 of 4 stars; one submission).

Conditions:
BBS5-related disorder. Also called: BBS5-related condition.

Submission:

PreventionGenetics, part of Exact Sciences
Classification: Uncertain significance for BBS5-related condition. Last evaluated: 2025-08-04. Review status: criteria provided, single submitter. Criteria: ACMG Guidelines, 2015. Collection method: clinical testing. Allele origin: germline.
Comment: The BBS5 c.293T>G variant is predicted to result in the amino acid substitution p.Leu98Arg. To our knowledge, this variant has not been reported in the literature or in a large population database (gnomAD), indicating this variant is rare. At this time, the clinical significance of this variant is uncertain due to the absence of conclusive functional and genetic evidence.

NM_152384.3(BBS5):c.293T>G (p.Leu98Arg)

Gene: BBS5 (Bardet-Biedl syndrome 5; plus strand). Cytogenetic location: 2q31.1.
Variant type: single nucleotide variant.
Coding change: c.293T>G on transcript NM_152384.3 (MANE Select); coding-DNA position 293, T replaced by G.
Protein change: p.Leu98Arg; replaces leucine 98 with arginine.
Molecular consequence: missense variant.
Genome position (GRCh38, 1-based): chr2:169,488,021, T>G. VCF-style: chr2-169488021-T-G. GRCh37 (hg19) VCF-style: chr2-170344531-T-G.
Other names: short protein forms L98R.
Identifiers: ClinVar variation 5001894 (VCV005001894.1).